The following is an entry in ClinVar:

ClinVar aggregate classification (germline): Uncertain significance (1 of 4 stars; one submission).

gnomAD v4.1: 6 of 1,206,691 alleles (0.0005%); highest among the groups gnomAD compares: Non-Finnish European, 0.00056%; no homozygotes.

Submission:

Labcorp Genetics (formerly Invitae), Labcorp
Classification: Uncertain significance. Last evaluated: 2025-06-23. Review status: criteria provided, single submitter. Criteria: Invitae Variant Classification Sherloc (09022015). Collection method: clinical testing. Allele origin: germline.
Comment: This sequence change replaces alanine, which is neutral and non-polar, with valine, which is neutral and non-polar, at codon 54 of the RS1 protein (p.Ala54Val). This variant is present in population databases (rs200221392, gnomAD 0.002%). This variant has not been reported in the literature in individuals affected with RS1-related conditions. Invitae Evidence Modeling of protein sequence and biophysical properties (such as structural, functional, and spatial information, amino acid conservation, physicochemical variation, residue mobility, and thermodynamic stability) indicates that this missense variant is not expected to disrupt RS1 protein function with a negative predictive value of 95%. In summary, the available evidence is currently insufficient to determine the role of this variant in disease. Therefore, it has been classified as a Variant of Uncertain Significance.

NM_000330.4(RS1):c.161C>T (p.Ala54Val)

Gene: RS1 (retinoschisin 1; minus strand). Cytogenetic location: Xp22.13.
Variant type: single nucleotide variant.
Coding change: c.161C>T on transcript NM_000330.4 (MANE Select); coding-DNA position 161, C replaced by T.
Protein change: p.Ala54Val; replaces alanine 54 with valine.
Molecular consequence: missense variant.
Genome position (GRCh38, 1-based): chrX:18,656,676, G>A on the plus strand (C>T on the coding strand, the complement: RS1 is on the minus strand). VCF-style: chrX-18656676-G-A. GRCh37 (hg19) VCF-style: chrX-18674796-G-A.
Other names: short protein forms A54V.
Identifiers: ClinVar variation 4731897 (VCV004731897.1).
Genomic context (GRCh38, chrX:18,656,676, plus strand): 5'-CAATGACTGTTCCATCCCAAGGACAGGGGATACTCACCTGGTATACAGTCCAAGGAGGTG[G>A]CACCTGCAGACCACAGAGCATTGGGTCCTCCTTGGCAATCGCACTTGCATGCTTTTTGGT-3'
Protein context (NP_000321.1, residues 44-64): GGPNALWSAG[Ala54Val]TSLDCIPECP